The following is an entry in ClinVar:

NM_133510.4(RAD51B):c.551C>T (p.Thr184Ile)

Gene: RAD51B (RAD51 paralog B; plus strand). Cytogenetic location: 14q24.1.
Variant type: single nucleotide variant.
Coding change: c.551C>T on transcript NM_133510.4 (MANE Select); coding-DNA position 551, C replaced by T.
Protein change: p.Thr184Ile; replaces threonine 184 with isoleucine.
Molecular consequence: missense variant.
Genome position (GRCh38, 1-based): chr14:67,885,967, C>T. VCF-style: chr14-67885967-C-T. GRCh37 (hg19) VCF-style: chr14-68352684-C-T.
Other names: c.551C>T, p.Thr184Ile (NM_001321809.2, NM_001321810.2, NM_001321812.1 and 6 more transcripts); c.437C>T, p.Thr146Ile (NM_001321815.1); c.194C>T, p.Thr65Ile (NM_001321817.2); short protein forms T146I, T184I, T65I.
Identifiers: ClinVar variation 3429649 (VCV003429649.1).

ClinVar aggregate classification (germline): Uncertain significance (1 of 4 stars; one submission).

Submission:

Ambry Genetics
Classification: Uncertain significance. Last evaluated: 2024-11-25. Review status: criteria provided, single submitter. Criteria: Ambry Variant Classification Scheme 2023. Collection method: clinical testing. Allele origin: germline.
Comment: The p.T184I variant (also known as c.551C>T), located in coding exon 5 of the RAD51B gene, results from a C to T substitution at nucleotide position 551. The threonine at codon 184 is replaced by isoleucine, an amino acid with similar properties. This amino acid position is conserved. In addition, this alteration is predicted to be tolerated by in silico analysis. Based on the available evidence, the clinical significance of this variant remains unclear.